The following is an entry in ClinVar:

ClinVar aggregate classification (germline): Uncertain significance (1 of 4 stars; one submission).

Conditions:
Walker-Warburg congenital muscular dystrophy. Also called: Muscular dystrophy-dystroglycanopathy, type A; Walker-Warburg syndrome. Identifiers: Orphanet 899, MedGen C0265221, MONDO:0000171.

Submission:

Labcorp Genetics (formerly Invitae), Labcorp
Classification: Uncertain significance for Walker-Warburg congenital muscular dystrophy. Last evaluated: 2020-10-09. Review status: criteria provided, single submitter. Criteria: Invitae Variant Classification Sherloc (09022015). Collection method: clinical testing. Allele origin: germline.
Comment: In summary, the available evidence is currently insufficient to determine the role of this variant in disease. Therefore, it has been classified as a Variant of Uncertain Significance. Algorithms developed to predict the effect of missense changes on protein structure and function (SIFT, PolyPhen-2, Align-GVGD) all suggest that this variant is likely to be tolerated, but these predictions have not been confirmed by published functional studies and their clinical significance is uncertain. This variant has not been reported in the literature in individuals with FKRP-related conditions. The frequency data for this variant in the population databases is considered unreliable, as metrics indicate insufficient coverage at this position in the ExAC database. This sequence change replaces leucine with phenylalanine at codon 269 of the FKRP protein (p.Leu269Phe). The leucine residue is moderately conserved and there is a small physicochemical difference between leucine and phenylalanine.

NM_024301.5(FKRP):c.805C>T (p.Leu269Phe)

Gene: FKRP (fukutin related protein; plus strand). Cytogenetic location: 19q13.32.
Variant type: single nucleotide variant.
Coding change: c.805C>T on transcript NM_024301.5 (MANE Select); coding-DNA position 805, C replaced by T.
Protein change: p.Leu269Phe; replaces leucine 269 with phenylalanine.
Molecular consequence: missense variant.
Genome position (GRCh38, 1-based): chr19:46,756,255, C>T. VCF-style: chr19-46756255-C-T. GRCh37 (hg19) VCF-style: chr19-47259512-C-T.
Other names: c.805C>T, p.Leu269Phe (NM_001039885.3); short protein forms L269F.
Identifiers: ClinVar variation 1025129 (VCV001025129.8), dbSNP rs2054918807, ClinGen allele CA406496047.
Genomic context (GRCh38, chr19:46,756,255, plus strand): 5'-GCCACGGCCCACGCGCGCTGGAAGGCTGAGCGCGAGGGACGCGCTCGGCGGGCGGCGCTG[C>T]TCCGCGCGCTGGGCATCCGCCTAGTGAGCTGGGAAGGCGGGCGGCTGGAGTGGTTCGGCT-3'
Protein context (NP_077277.1, residues 259-279): REGRARRAAL[Leu269Phe]RALGIRLVSW